The following is an entry in ClinVar:

ClinVar aggregate classification (germline): Pathogenic/Likely pathogenic. Review status: criteria provided, multiple submitters, no conflicts (2 of 4 stars). 5 submissions from 5 submitters: Pathogenic (2); Likely pathogenic (1). 2 of the submissions do not count toward it. Last evaluated 2025-07-24.

Conditions:
Primary dilated cardiomyopathy (DCM). Also called: Dilated Cardiomyopathy. Identifiers: Orphanet 217604, MedGen C0007193, MeSH D002311, MONDO:0005021, HP:0001644. Inheritance: Various modes of inheritance.
Dilated cardiomyopathy 1G (CMD1G). Identifiers: Orphanet 154, MedGen C1858763, MONDO:0011400, OMIM 604145.
Autosomal recessive limb-girdle muscular dystrophy type 2J (LGMDR10). Also called: Limb-girdle muscular dystrophy, type 2J; MUSCULAR DYSTROPHY, LIMB-GIRDLE, AUTOSOMAL RECESSIVE 10. Identifiers: Orphanet 140922, MedGen C1837342, MONDO:0012127, OMIM 608807.
Cardiovascular phenotype. Identifiers: MedGen CN230736.

Submissions (5):

Labcorp Genetics (formerly Invitae), Labcorp
Classification: Likely pathogenic for Dilated cardiomyopathy 1G; Autosomal recessive limb-girdle muscular dystrophy type 2J. Last evaluated: 2025-07-24. Review status: criteria provided, single submitter. Criteria: Invitae Variant Classification Sherloc (09022015). Collection method: clinical testing. Allele origin: germline.
Comment: This sequence change creates a premature translational stop signal (p.Arg23351*) in the TTN gene. While this is not anticipated to result in nonsense mediated decay, it is expected to create a truncated TTN protein. This variant is not present in population databases (gnomAD no frequency). This premature translational stop signal has been observed in individual(s) with dilated cardiomyopathy (PMID: 33996946, 34952434, 36178741). ClinVar contains an entry for this variant (Variation ID: 405145). This variant is located in the A band of TTN (PMID: 25589632). Truncating variants in this region are significantly overrepresented in patients affected with dilated cardiomyopathy (PMID: 25589632). Truncating variants in this region have also been reported in individuals affected with autosomal recessive centronuclear myopathy (PMID: 23975875). In summary, the currently available evidence indicates that the variant is pathogenic, but additional data are needed to prove that conclusively. Therefore, this variant has been classified as Likely Pathogenic.

Ambry Genetics
Classification: Pathogenic for Cardiovascular phenotype. Last evaluated: 2024-01-16. Review status: criteria provided, single submitter. Criteria: Ambry Variant Classification Scheme 2023. Collection method: clinical testing. Allele origin: germline.
Comment: The p.R14286* pathogenic mutation (also known as c.42856C>T), located in coding exon 153 of the TTN gene, results from a C to T substitution at nucleotide position 42856. This changes the amino acid from an arginine to a stop codon within coding exon 153. This exon is located in the A-band region of the N2-B isoform of the titin protein and is constitutively expressed in TTN transcripts (percent spliced in or PSI 100%). This variant (referred to as NM_001267550.1:c.70051C>T, p.R23351*) has been detected in an individual with dilated cardiomyopathy requiring heart transplant (Lee SH et al. Stem Cell Res, 2022 Mar;59:102629). This variant is considered to be rare based on population cohorts in the Genome Aggregation Database (gnomAD). This alteration is expected to result in loss of function by premature protein truncation or nonsense-mediated mRNA decay. While truncating variants in TTN are present in 1-3% of the general population, truncating variants in the A-band are the most common cause of dilated cardiomyopathy (DCM) (Herman DS et al. N. Engl. J. Med., 2012 Feb;366:619-28; Roberts AM et al. Sci Transl Med, 2015 Jan;7:270ra6). TTN truncating variants encoded in constitutive exons (PSI >90%) have been found to be significantly associated with DCM regardless of their position in titin (Schafer S et al. Nat. Genet., 2017 01;49:46-53). Based on the supporting evidence, this alteration is interpreted as a disease-causing mutation.

Center for Human Genetics, University of Leuven
Classification: Pathogenic for Primary dilated cardiomyopathy. Last evaluated: 2022-12-31. Review status: criteria provided, single submitter. Criteria: ACMG Guidelines, 2015. Collection method: clinical testing. Allele origin: germline. Affected: yes.

Molecular Genetics Laboratory, BC Children's and BC Women's Hospitals
Classification: Likely pathogenic for Dilated cardiomyopathy 1G. Last evaluated: 2026-04-22. Review status: no assertion criteria provided. Criteria: ACMG Guidelines, 2015. Collection method: clinical testing. Allele origin: maternal. Affected: yes. Not counted in ClinVar's aggregate classification.

Cardiogenetics and Myogenetics Molecular and Cellular Functional Unit, Aphp Sorbonne University-Hopital Pitie Salpetriere
Classification: Likely pathogenic for Dilated cardiomyopathy 1G. Last evaluated: 2024-01-06. Review status: no assertion criteria provided. Collection method: clinical testing. Allele origin: germline. Affected: yes. Not counted in ClinVar's aggregate classification.

Literature cited by the submitters: PubMed 33996946 (cited by Labcorp Genetics (formerly Invitae), Labcorp); PubMed 34952434 (cited by 3 submitters); PubMed 36178741 (cited by Labcorp Genetics (formerly Invitae), Labcorp); PubMed 25589632 (cited by Labcorp Genetics (formerly Invitae), Labcorp); PubMed 23975875 (cited by Labcorp Genetics (formerly Invitae), Labcorp).

NM_001267550.2(TTN):c.70051C>T (p.Arg23351Ter)

Genes: TTN (titin; minus strand), TTN-AS1 (TTN antisense RNA 1; plus strand), LOC126806422 (BRD4-independent group 4 enhancer GRCh37_chr2:179440205-179441404; plus strand). Cytogenetic location: 2q31.2.
Variant type: single nucleotide variant.
Coding change: c.70051C>T on transcript NM_001267550.2 (MANE Select); coding-DNA position 70051, C replaced by T.
Protein change: p.Arg23351Ter; replaces arginine 23351 with a stop codon.
Molecular consequence: nonsense.
Genome position (GRCh38, 1-based): chr2:178,576,081, G>A on the plus strand (C>T on the coding strand, the complement: TTN is on the minus strand). VCF-style: chr2-178576081-G-A. GRCh37 (hg19) VCF-style: chr2-179440808-G-A.
Other names: c.65128C>T, p.Arg21710Ter (NM_001256850.1); c.42856C>T, p.Arg14286Ter (NM_003319.4); c.62347C>T, p.Arg20783Ter (NM_133378.4); c.43231C>T, p.Arg14411Ter (NM_133432.3); c.43432C>T, p.Arg14478Ter (NM_133437.4); short protein forms R23351*, R14286*, R14411*, R14478*, R20783*, R21710*.
Identifiers: ClinVar variation 405145 (VCV000405145.36), dbSNP rs1060500575, ClinGen allele CA16610380.